The following is an entry in ClinVar:

NM_033409.4(SLC52A3):c.445G>A (p.Gly149Ser)

Gene: SLC52A3 (solute carrier family 52 member 3; minus strand). Cytogenetic location: 20p13.
Variant type: single nucleotide variant.
Coding change: c.445G>A on transcript NM_033409.4 (MANE Select); coding-DNA position 445, G replaced by A.
Protein change: p.Gly149Ser; replaces glycine 149 with serine.
Molecular consequence: missense variant.
Genome position (GRCh38, 1-based): chr20:765,330, C>T on the plus strand (G>A on the coding strand, the complement: SLC52A3 is on the minus strand). VCF-style: chr20-765330-C-T. GRCh37 (hg19) VCF-style: chr20-745974-C-T.
Other names: c.445G>A, p.Gly149Ser (NM_001370085.1, NM_001370086.1); short protein forms G149S.
Identifiers: ClinVar variation 1314351 (VCV001314351.3), dbSNP rs1986642119, ClinGen allele CA407963819.

ClinVar aggregate classification (germline): Uncertain significance (1 of 4 stars; one submission).

Allele frequency attached by ClinVar (database versions not stated): TOPMed below 0.00001.

Submission:

GeneDx
Classification: Uncertain significance. Last evaluated: 2025-12-03. Review status: criteria provided, single submitter. Criteria: GeneDx Variant Classification Process June 2021. Collection method: clinical testing. Allele origin: germline. Affected: yes.
Comment: Not observed at significant frequency in large population cohorts (gnomAD); In silico analysis supports that this missense variant has a deleterious effect on protein structure/function; Has not been previously published as pathogenic or benign to our knowledge